The following is an entry in ClinVar:

NM_003239.5(TGFB3):c.11A>G (p.His4Arg)

Gene: TGFB3 (transforming growth factor beta 3; minus strand). Cytogenetic location: 14q24.3.
Variant type: single nucleotide variant.
Coding change: c.11A>G on transcript NM_003239.5 (MANE Select); coding-DNA position 11, A replaced by G.
Protein change: p.His4Arg; replaces histidine 4 with arginine.
Molecular consequence: missense variant.
Genome position (GRCh38, 1-based): chr14:75,980,883, T>C on the plus strand (A>G on the coding strand, the complement: TGFB3 is on the minus strand). VCF-style: chr14-75980883-T-C. GRCh37 (hg19) VCF-style: chr14-76447226-T-C.
Other names: c.11A>G, p.His4Arg (NM_001329938.2, NM_001329939.2); short protein forms H4R.
Identifiers: ClinVar variation 391868 (VCV000391868.20), dbSNP rs371772819, ClinGen allele CA16607707.

ClinVar aggregate classification (germline): Uncertain significance. Review status: criteria provided, multiple submitters, no conflicts (2 of 4 stars). 4 submissions from 4 submitters: Uncertain significance (4). Last evaluated 2025-11-07.

Conditions:
Familial thoracic aortic aneurysm and aortic dissection (TAAD). Also called: Thoracic aortic aneurysms and dissections. Identifiers: Orphanet 91387, MedGen C4707243, MONDO:0019625.
Rienhoff syndrome. Also called: LOEYS-DIETZ SYNDROME 5. Identifiers: MedGen C3810012, MONDO:0014262, OMIM 615582.

Allele frequency attached by ClinVar (database versions not stated): gnomAD exomes below 0.00001 and 0.00001; gnomAD 0.00001; TOPMed 0.00005; ESP Exome Variant Server 0.00015.
gnomAD v4.1: 4 of 1,613,880 alleles (0.00025%); highest among the groups gnomAD compares: Non-Finnish European, 0.00034%; no homozygotes.

Submissions (4):

Ambry Genetics
Classification: Uncertain significance for Familial thoracic aortic aneurysm and aortic dissection. Last evaluated: 2025-11-07. Review status: criteria provided, single submitter. Criteria: Ambry Variant Classification Scheme 2023. Collection method: clinical testing. Allele origin: germline.

GeneDx
Classification: Uncertain significance. Last evaluated: 2025-07-08. Review status: criteria provided, single submitter. Criteria: GeneDx Variant Classification Process June 2021. Collection method: clinical testing. Allele origin: germline. Affected: yes.
Comment: Has not been previously published as pathogenic or benign to our knowledge; Not observed at significant frequency in large population cohorts (gnomAD); In silico analysis suggests that this missense variant does not alter protein structure/function; This variant is associated with the following publications: (PMID: 10716289)

Labcorp Genetics (formerly Invitae), Labcorp
Classification: Uncertain significance for Rienhoff syndrome. Last evaluated: 2024-12-05. Review status: criteria provided, single submitter. Criteria: Invitae Variant Classification Sherloc (09022015). Collection method: clinical testing. Allele origin: germline.
Comment: This sequence change replaces histidine, which is basic and polar, with arginine, which is basic and polar, at codon 4 of the TGFB3 protein (p.His4Arg). This variant is present in population databases (rs371772819, gnomAD 0.003%). This variant has not been reported in the literature in individuals affected with TGFB3-related conditions. ClinVar contains an entry for this variant (Variation ID: 391868). An algorithm developed to predict the effect of missense changes on protein structure and function (PolyPhen-2) suggests that this variant¬†is likely to be tolerated. In summary, the available evidence is currently insufficient to determine the role of this variant in disease. Therefore, it has been classified as a Variant of Uncertain Significance.

Women's Health and Genetics/Laboratory Corporation of America, LabCorp
Classification: Uncertain significance. Last evaluated: 2021-03-25. Review status: criteria provided, single submitter. Criteria: LabCorp Variant Classification Summary - May 2015. Collection method: clinical testing. Allele origin: germline.
Comment: Variant summary: TGFB3 c.11A>G (p.His4Arg) results in a non-conservative amino acid change in the encoded protein sequence. Three of five in-silico tools predict a benign effect of the variant on protein function. The variant allele was found at a frequency of 1.2e-05 in 250834 control chromosomes (gnomAD). The available data on variant occurrences in the general population are insufficient to allow any conclusion about variant significance. To our knowledge, no occurrence of c.11A>G in individuals affected with Loeys-Dietz Syndrome and no experimental evidence demonstrating its impact on protein function have been reported. Three ClinVar submitters (evaluation after 2014) cite the variant as uncertain significance. Based on the evidence outlined above, the variant was classified as uncertain significance.